The following is an entry in ClinVar:

NM_020366.4(RPGRIP1):c.2662C>T (p.Arg888Ter)

Gene: RPGRIP1 (RPGR interacting protein 1; plus strand). Cytogenetic location: 14q11.2.
Variant type: single nucleotide variant.
Coding change: c.2662C>T on transcript NM_020366.4 (MANE Select); coding-DNA position 2662, C replaced by T.
Protein change: p.Arg888Ter; replaces arginine 888 with a stop codon.
Molecular consequence: nonsense. On other transcripts: intron variant (4).
Genome position (GRCh38, 1-based): chr14:21,326,125, C>T. VCF-style: chr14-21326125-C-T. GRCh37 (hg19) VCF-style: chr14-21794284-C-T.
Other names: c.1588C>T, p.Arg530Ter (NM_001377948.1); c.796+1400C>T (NM_001377949.1); c.689-1498C>T (NM_001377523.1, NM_001377950.1); c.191-1498C>T (NM_001377951.1); short protein forms R888*, R530*.
Identifiers: ClinVar variation 632211 (VCV000632211.51), dbSNP rs1030149008, ClinGen allele CA257536142.

ClinVar aggregate classification (germline): Pathogenic/Likely pathogenic. Review status: criteria provided, multiple submitters, no conflicts (2 of 4 stars). 6 submissions from 5 submitters: Pathogenic (4); Likely pathogenic (2). Last evaluated 2024-06-13.

Conditions:
Leber congenital amaurosis 6 (LCA6). Identifiers: Orphanet 65, MedGen C1854260, MONDO:0013446, OMIM 613826.
Cone-rod dystrophy 13 (CORD13). Identifiers: Orphanet 1872, MedGen C2750720, MONDO:0011987, OMIM 608194.
RPGRIP1-related disorder. Also called: RPGRIP1-related condition.

Allele frequency attached by ClinVar (database versions not stated): TOPMed 0.00001; gnomAD exomes 0.00002.
gnomAD v4.1: 12 of 1,600,930 alleles (0.00075%); highest among the groups gnomAD compares: East Asian, 0.0045%; no homozygotes.

Submissions (6):

Fulgent Genetics
Classification: Pathogenic for Cone-rod dystrophy 13; Leber congenital amaurosis 6. Last evaluated: 2024-06-13. Review status: criteria provided, single submitter. Criteria: ACMG Guidelines, 2015. Collection method: clinical testing. Allele origin: germline.

Labcorp Genetics (formerly Invitae), Labcorp
Classification: Pathogenic for Leber congenital amaurosis 6; Cone-rod dystrophy 13. Last evaluated: 2024-02-17. Review status: criteria provided, single submitter. Criteria: Invitae Variant Classification Sherloc (09022015). Collection method: clinical testing. Allele origin: germline.
Comment: This sequence change creates a premature translational stop signal (p.Arg888*) in the RPGRIP1 gene. It is expected to result in an absent or disrupted protein product. Loss-of-function variants in RPGRIP1 are known to be pathogenic (PMID: 11528500, 23105016). This variant is present in population databases (no rsID available, gnomAD 0.005%). This premature translational stop signal has been observed in individual(s) with RPGRIP1-related conditions (PMID: 24265693, 33781268). ClinVar contains an entry for this variant (Variation ID: 632211). Algorithms developed to predict the effect of sequence changes on RNA splicing suggest that this variant may disrupt the consensus splice site. For these reasons, this variant has been classified as Pathogenic.

Blueprint Genetics
Classification: Pathogenic for RPGRIP1-related disorders. Last evaluated: 2022-12-07. Review status: criteria provided, single submitter. Criteria: ACMG Guidelines, 2015. Collection method: clinical testing. Allele origin: germline. Affected: yes. Observed: 5 variant alleles.

Genome-Nilou Lab
Classification: Likely pathogenic for Leber congenital amaurosis 6. Last evaluated: 2021-11-07. Review status: criteria provided, single submitter. Criteria: ACMG Guidelines, 2015. Collection method: clinical testing. Allele origin: germline. Affected: no.

Genome-Nilou Lab
Classification: Likely pathogenic for Cone-rod dystrophy 13. Last evaluated: 2021-11-07. Review status: criteria provided, single submitter. Criteria: ACMG Guidelines, 2015. Collection method: clinical testing. Allele origin: germline. Affected: no.

CeGaT Center for Human Genetics Tuebingen
Classification: Pathogenic. Last evaluated: 2018-06-01. Review status: criteria provided, single submitter. Criteria: CeGaT Center For Human Genetics Tuebingen Variant Classification Criteria Version 2. Collection method: clinical testing. Allele origin: germline. Affected: yes. Observed: 2 variant alleles.

Literature cited by the submitters: PubMed 11528500 (cited by Labcorp Genetics (formerly Invitae), Labcorp); PubMed 23105016 (cited by Labcorp Genetics (formerly Invitae), Labcorp); PubMed 24265693 (cited by Labcorp Genetics (formerly Invitae), Labcorp); PubMed 33781268 (cited by Labcorp Genetics (formerly Invitae), Labcorp).